The following is an entry in ClinVar:

ClinVar aggregate classification (germline): Uncertain significance. Review status: criteria provided, multiple submitters, no conflicts (2 of 4 stars). 3 submissions from 3 submitters: Uncertain significance (3). Last evaluated 2025-08-18.

Conditions:
Hereditary cancer-predisposing syndrome. Also called: Tumor predisposition; Hereditary Cancer Syndrome; Hereditary neoplastic syndrome; Neoplastic Syndromes, Hereditary. Identifiers: Orphanet 140162, MedGen C0027672, MeSH D009386, MONDO:0015356.
Hereditary nonpolyposis colorectal neoplasms. Identifiers: MedGen C0009405, MeSH D003123.

Submissions (3):

Labcorp Genetics (formerly Invitae), Labcorp
Classification: Uncertain significance for Hereditary nonpolyposis colorectal neoplasms. Last evaluated: 2025-08-18. Review status: criteria provided, single submitter. Criteria: Invitae Variant Classification Sherloc (09022015). Collection method: clinical testing. Allele origin: germline.
Comment: This sequence change replaces threonine, which is neutral and polar, with arginine, which is basic and polar, at codon 720 of the MSH6 protein (p.Thr720Arg). This variant is not present in population databases (gnomAD no frequency). This variant has not been reported in the literature in individuals affected with MSH6-related conditions. ClinVar contains an entry for this variant (Variation ID: 485851). Invitae Evidence Modeling of protein sequence and biophysical properties (such as structural, functional, and spatial information, amino acid conservation, physicochemical variation, residue mobility, and thermodynamic stability) indicates that this missense variant is not expected to disrupt MSH6 protein function with a negative predictive value of 95%. In summary, the available evidence is currently insufficient to determine the role of this variant in disease. Therefore, it has been classified as a Variant of Uncertain Significance.

Ambry Genetics
Classification: Uncertain significance for Hereditary cancer-predisposing syndrome. Last evaluated: 2024-01-03. Review status: criteria provided, single submitter. Criteria: Ambry Variant Classification Scheme 2023. Collection method: clinical testing. Allele origin: germline.
Comment: The p.T720R variant (also known as c.2159C>G), located in coding exon 4 of the MSH6 gene, results from a C to G substitution at nucleotide position 2159. The threonine at codon 720 is replaced by arginine, an amino acid with similar properties. This amino acid position is poorly conserved in available vertebrate species. In addition, this alteration is predicted to be tolerated by in silico analysis. Since supporting evidence is limited at this time, the clinical significance of this alteration remains unclear.

Color Diagnostics, LLC DBA Color Health
Classification: Uncertain significance for Hereditary cancer-predisposing syndrome. Last evaluated: 2023-12-05. Review status: criteria provided, single submitter. Criteria: ACMG Guidelines, 2015. Collection method: clinical testing. Allele origin: germline.
Comment: This missense variant replaces threonine with arginine at codon 720 of the MSH6 protein. Computational prediction tools and conservation analyses suggest that this variant may not impact protein structure and function. Splice site prediction tools suggest that this variant may not impact RNA splicing. To our knowledge, functional studies have not been performed for this variant. This variant has not been reported in individuals affected with hereditary cancer in the literature. This variant has not been identified in the general population by the Genome Aggregation Database (gnomAD). The available evidence is insufficient to determine the role of this variant in disease conclusively. Therefore, this variant is classified as a Variant of Uncertain Significance.

NM_000179.3(MSH6):c.2159C>G (p.Thr720Arg)

Gene: MSH6 (mutS homolog 6; plus strand). Cytogenetic location: 2p16.3.
Variant type: single nucleotide variant.
Coding change: c.2159C>G on transcript NM_000179.3 (MANE Select); coding-DNA position 2159, C replaced by G.
Protein change: p.Thr720Arg; replaces threonine 720 with arginine.
Molecular consequence: missense variant.
Genome position (GRCh38, 1-based): chr2:47,800,142, C>G. VCF-style: chr2-47800142-C-G. GRCh37 (hg19) VCF-style: chr2-48027281-C-G.
Other names: c.1769C>G, p.Thr590Arg (NM_001281492.2); c.1253C>G, p.Thr418Arg (NM_001281493.2, NM_001281494.2); short protein forms T720R, T590R, T418R.
Identifiers: ClinVar variation 485851 (VCV000485851.13), dbSNP rs185531778, ClinGen allele CA346751141.